The following is an entry in ClinVar:

NM_003872.3(NRP2):c.21C>A (p.Thr7=)

Gene: NRP2 (neuropilin 2; plus strand). Cytogenetic location: 2q33.3.
Variant type: single nucleotide variant.
Coding change: c.21C>A on transcript NM_003872.3 (MANE Select); coding-DNA position 21, C replaced by A.
Protein change: p.Thr7=; no amino-acid change (threonine 7 retained).
Molecular consequence: synonymous variant.
Genome position (GRCh38, 1-based): chr2:205,683,311, C>A. VCF-style: chr2-205683311-C-A. GRCh37 (hg19) VCF-style: chr2-206548035-C-A.
Other names: c.21C>A, p.Thr7= (NM_018534.4, NM_201264.2, NM_201266.2 and 2 more transcripts).
Identifiers: ClinVar variation 4979877 (VCV004979877.1).
Genomic context (GRCh38, chr2:205,683,311, plus strand): 5'-ACCTACGAACCCAGCTCTGGAAAGAGCCACCTTCTCCAAAATGGATATGTTTCCTCTCAC[C>A]TGGGTTTTCTTAGCCCTCTACTTTTCAAGACACCAAGTGAGAGGCCAACCAGGTAAGCCA-3'
Protein context (NP_003863.2, residues 1-17): MDMFPL[Thr7=]WVFLALYFSR

ClinVar aggregate classification (germline): Likely benign (1 of 4 stars; one submission).

Conditions:
NRP2-related disorder. Also called: NRP2-related condition.

gnomAD v4.1: 10 of 1,613,868 alleles (0.00062%); highest among the groups gnomAD compares: Admixed American, 0.015%; no homozygotes.

Submission:

PreventionGenetics, part of Exact Sciences
Classification: Likely benign for NRP2-related condition. Last evaluated: 2025-07-24. Review status: criteria provided, single submitter. Criteria: ACMG Guidelines, 2015. Collection method: clinical testing. Allele origin: germline.
Comment: This variant is classified as likely benign based on ACMG/AMP sequence variant interpretation guidelines (Richards et al. 2015 PMID: 25741868, with internal and published modifications).